The following is an entry in ClinVar:

ClinVar aggregate classification (germline): Uncertain significance (1 of 4 stars; one submission).

Allele frequency attached by ClinVar (database versions not stated): gnomAD exomes below 0.00001.
gnomAD v4.1: 1 of 1,613,622 alleles (0.000062%); highest among the groups gnomAD compares: South Asian, 0.0011%; no homozygotes.

Submission:

Labcorp Genetics (formerly Invitae), Labcorp
Classification: Uncertain significance. Last evaluated: 2022-05-27. Review status: criteria provided, single submitter. Criteria: Invitae Variant Classification Sherloc (09022015). Collection method: clinical testing. Allele origin: germline.
Comment: In summary, the available evidence is currently insufficient to determine the role of this variant in disease. Therefore, it has been classified as a Variant of Uncertain Significance. Algorithms developed to predict the effect of missense changes on protein structure and function are either unavailable or do not agree on the potential impact of this missense change (SIFT: "Deleterious"; PolyPhen-2: "Possibly Damaging"; Align-GVGD: "Class C0"). This variant has not been reported in the literature in individuals affected with SIX6-related conditions. This variant is present in population databases (no rsID available, gnomAD no frequency). This sequence change replaces arginine, which is basic and polar, with histidine, which is basic and polar, at codon 159 of the SIX6 protein (p.Arg159His).

NM_007374.3(SIX6):c.476G>A (p.Arg159His)

Genes: C14orf39 (chromosome 14 open reading frame 39; minus strand), SIX6 (SIX homeobox 6; plus strand). Cytogenetic location: 14q23.1.
Variant type: single nucleotide variant.
Coding change: c.476G>A on transcript NM_007374.3 (MANE Select); coding-DNA position 476, G replaced by A.
Protein change: p.Arg159His; replaces arginine 159 with histidine.
Molecular consequence: missense variant.
Genome position (GRCh38, 1-based): chr14:60,509,874, G>A. VCF-style: chr14-60509874-G-A. GRCh37 (hg19) VCF-style: chr14-60976592-G-A.
Other names: short protein forms R159H.
Identifiers: ClinVar variation 1999382 (VCV001999382.4), dbSNP rs1315708072, ClinGen allele CA390087360.